The following is an entry in ClinVar:

NM_001151.4(SLC25A4):c.187A>G (p.Lys63Glu)

Gene: SLC25A4 (solute carrier family 25 member 4; plus strand). Cytogenetic location: 4q35.1.
Variant type: single nucleotide variant.
Coding change: c.187A>G on transcript NM_001151.4 (MANE Select); coding-DNA position 187, A replaced by G.
Protein change: p.Lys63Glu; replaces lysine 63 with glutamic acid.
Molecular consequence: missense variant.
Genome position (GRCh38, 1-based): chr4:185,144,839, A>G. VCF-style: chr4-185144839-A-G. GRCh37 (hg19) VCF-style: chr4-186065993-A-G.
Other names: short protein forms K63E.
Identifiers: ClinVar variation 1990824 (VCV001990824.4), dbSNP rs1560841664, ClinGen allele CA358896069.
Genomic context (GRCh38, chr4:185,144,839, plus strand): 5'-AAACAGATCAGTGCTGAGAAGCAGTACAAAGGGATCATTGATTGTGTGGTGAGAATCCCT[A>G]AGGAGCAGGGCTTCCTCTCCTTCTGGAGGGGTAACCTGGCCAACGTGATCCGTTACTTCC-3'
Protein context (NP_001142.2, residues 53-73): GIIDCVVRIP[Lys63Glu]EQGFLSFWRG

ClinVar aggregate classification (germline): Uncertain significance (1 of 4 stars; one submission).

Allele frequency attached by ClinVar (database versions not stated): gnomAD exomes below 0.00001; TOPMed below 0.00001.
gnomAD v4.1: 1 of 1,614,114 alleles (0.000062%); highest among the groups gnomAD compares: African/African-American, 0.0013%; no homozygotes.

Submission:

Labcorp Genetics (formerly Invitae), Labcorp
Classification: Uncertain significance. Last evaluated: 2025-01-06. Review status: criteria provided, single submitter. Criteria: Invitae Variant Classification Sherloc (09022015). Collection method: clinical testing. Allele origin: germline.
Comment: This sequence change replaces lysine, which is basic and polar, with glutamic acid, which is acidic and polar, at codon 63 of the SLC25A4 protein (p.Lys63Glu). This variant is not present in population databases (gnomAD no frequency). This variant has not been reported in the literature in individuals affected with SLC25A4-related conditions. ClinVar contains an entry for this variant (Variation ID: 1990824). Invitae Evidence Modeling of protein sequence and biophysical properties (such as structural, functional, and spatial information, amino acid conservation, physicochemical variation, residue mobility, and thermodynamic stability) indicates that this missense variant is expected to disrupt SLC25A4 protein function with a positive predictive value of 80%. In summary, the available evidence is currently insufficient to determine the role of this variant in disease. Therefore, it has been classified as a Variant of Uncertain Significance.